The following is an entry in ClinVar:

ClinVar aggregate classification (germline): Uncertain significance (1 of 4 stars; one submission).

Submission:

GeneDx
Classification: Uncertain significance. Last evaluated: 2024-02-16. Review status: criteria provided, single submitter. Criteria: GeneDx Variant Classification Process June 2021. Collection method: clinical testing. Allele origin: germline. Affected: yes.
Comment: Not observed at significant frequency in large population cohorts (gnomAD); In silico analysis supports that this missense variant has a deleterious effect on protein structure/function; Has not been previously published as pathogenic or benign to our knowledge

NM_000829.4(GRIA4):c.1884G>T (p.Trp628Cys)

Gene: GRIA4 (glutamate ionotropic receptor AMPA type subunit 4; plus strand). Cytogenetic location: 11q22.3.
Variant type: single nucleotide variant.
Coding change: c.1884G>T on transcript NM_000829.4 (MANE Select); coding-DNA position 1884, G replaced by T.
Protein change: p.Trp628Cys; replaces tryptophan 628 with cysteine.
Molecular consequence: missense variant. On other transcripts: non-coding transcript variant (1).
Genome position (GRCh38, 1-based): chr11:105,926,777, G>T. VCF-style: chr11-105926777-G-T. GRCh37 (hg19) VCF-style: chr11-105797503-G-T.
Other names: c.1884G>T, p.Trp628Cys (NM_001077243.3); short protein forms W628C.
Identifiers: ClinVar variation 3369396 (VCV003369396.1).
Genomic context (GRCh38, chr11:105,926,777, plus strand): 5'-GTGCATTATTTTATCCATGTTTAGATCCCTCTCAGGTCGAATTGTTGGAGGTGTTTGGTG[G>T]TTCTTTACACTCATCATTATATCATCTTATACTGCTAACCTCGCTGCTTTCCTGACGGTT-3'
Protein context (NP_000820.4, residues 618-638): LSGRIVGGVW[Trp628Cys]FFTLIIISSY